The following is an entry in ClinVar:

NM_014844.5(TECPR2):c.2700C>T (p.Ser900=)

Gene: TECPR2 (tectonin beta-propeller repeat containing 2; plus strand). Cytogenetic location: 14q32.31.
Variant type: single nucleotide variant.
Coding change: c.2700C>T on transcript NM_014844.5 (MANE Select); coding-DNA position 2700, C replaced by T.
Protein change: p.Ser900=; no amino-acid change (serine 900 retained).
Molecular consequence: synonymous variant.
Genome position (GRCh38, 1-based): chr14:102,440,557, C>T. VCF-style: chr14-102440557-C-T. GRCh37 (hg19) VCF-style: chr14-102906894-C-T.
Other names: p.Ser900=; c.2700C>T, p.Ser900= (NM_001172631.3).
Identifiers: ClinVar variation 698395 (VCV000698395.13), dbSNP rs545614481, ClinGen allele CA7358016.

ClinVar aggregate classification (germline): Likely benign. Review status: criteria provided, multiple submitters, no conflicts (2 of 4 stars). 3 submissions from 3 submitters: Likely benign (2). 1 of the submissions does not count toward it. Last evaluated 2025-12-31.

Conditions:
Hereditary spastic paraplegia 49 (HSAN9). Also called: TECPR2-Related Hereditary Sensory and Autonomic Neuropathy with Intellectual Disability; Spastic paraplegia 49, autosomal recessive; NEUROPATHY, HEREDITARY SENSORY AND AUTONOMIC, TYPE IX, WITH DEVELOPMENTAL DELAY. Identifiers: Orphanet 320385, MedGen C5190860, MONDO:0014016, OMIM 615031.

Allele frequency attached by ClinVar (database versions not stated): gnomAD 0.00001; gnomAD exomes 0.00002 and 0.00006; TOPMed 0.00005; ExAC 0.00007.
gnomAD v4.1: 28 of 1,614,028 alleles (0.0017%); highest among the groups gnomAD compares: East Asian, 0.0089%; no homozygotes.

Submissions (3):

Labcorp Genetics (formerly Invitae), Labcorp
Classification: Likely benign for Hereditary spastic paraplegia 49. Last evaluated: 2025-12-31. Review status: criteria provided, single submitter. Criteria: Invitae Variant Classification Sherloc (09022015). Collection method: clinical testing. Allele origin: germline.

Mayo Clinic Laboratories, Mayo Clinic
Classification: Likely benign. Last evaluated: 2025-09-24. Review status: criteria provided, single submitter. Criteria: ACMG Guidelines, 2015. Collection method: clinical testing. Allele origin: germline. Observed: 1 variant allele.
Comment: BP4, BP7

Natera, Inc.
Classification: Uncertain significance for Autosomal recessive spastic paraplegia type 49. Last evaluated: 2020-02-13. Review status: no assertion criteria provided. Collection method: clinical testing. Allele origin: germline. Not counted in ClinVar's aggregate classification.